The following is an entry in ClinVar:

ClinVar aggregate classification (germline): Likely benign. Review status: criteria provided, single submitter (1 of 4 stars). 2 submissions from 2 submitters: Likely benign (1). 1 of the submissions does not count toward it. Last evaluated 2024-12-01.

Conditions:
Microphthalmia with brain and digit anomalies (MCOPS6). Also called: MICROPHTHALMIA AND PITUITARY ANOMALIES; Microphthalmia, syndromic 6. Identifiers: Orphanet 139471, MedGen C1864689, MONDO:0011936, OMIM 607932.

Allele frequency attached by ClinVar (database versions not stated): gnomAD 0.00001; ExAC 0.00002; gnomAD exomes 0.00002 and 0.00005; TOPMed 0.00002.

Submissions (2):

CeGaT Center for Human Genetics Tuebingen
Classification: Likely benign. Last evaluated: 2024-12-01. Review status: criteria provided, single submitter. Criteria: CeGaT Center For Human Genetics Tuebingen Variant Classification Criteria Version 2. Collection method: clinical testing. Allele origin: germline. Affected: yes. Observed: 1 variant allele.
Comment: BMP4: BP4

OMIM
Classification: Pathogenic for MICROPHTHALMIA, SYNDROMIC 6. Last evaluated: 2008-02-01. Review status: no assertion criteria provided. Collection method: literature only. Allele origin: germline. Not counted in ClinVar's aggregate classification.

Literature cited by the submitters: PubMed 18252212 (cited by OMIM).

NM_001202.6(BMP4):c.278A>G (p.Glu93Gly)

Gene: BMP4 (bone morphogenetic protein 4; minus strand). Cytogenetic location: 14q22.2.
Variant type: single nucleotide variant.
Coding change: c.278A>G on transcript NM_001202.6 (MANE Select); coding-DNA position 278, A replaced by G.
Protein change: p.Glu93Gly; replaces glutamic acid 93 with glycine.
Molecular consequence: missense variant.
Genome position (GRCh38, 1-based): chr14:53,951,945, T>C on the plus strand (A>G on the coding strand, the complement: BMP4 is on the minus strand). VCF-style: chr14-53951945-T-C. GRCh37 (hg19) VCF-style: chr14-54418663-T-C.
Other names: c.419A>G, p.Glu140Gly (NM_001347912.1); c.89A>G, p.Glu30Gly (NM_001347913.2, NM_001347915.2, NM_001347917.1); c.278A>G, p.Glu93Gly (NM_001347914.2, NM_001347916.1, NM_130850.5 and 1 more transcripts); short protein forms E93G, E140G, E30G.
Identifiers: ClinVar variation 17701 (VCV000017701.14), dbSNP rs121912765, ClinGen allele CA258061.